The following is an entry in ClinVar:

NM_000077.5(CDKN2A):c.47T>C (p.Leu16Pro)

Gene: CDKN2A (cyclin dependent kinase inhibitor 2A; minus strand). Cytogenetic location: 9p21.3.
Variant type: single nucleotide variant.
Coding change: c.47T>C on transcript NM_000077.5; coding-DNA position 47, T replaced by C.
Protein change: p.Leu16Pro; replaces leucine 16 with proline.
Molecular consequence: missense variant (on NM_000077.6). On other transcripts: intron variant (2).
Genome position (GRCh38, 1-based): chr9:21,974,781, A>G on the plus strand (T>C on the coding strand, the complement: CDKN2A is on the minus strand). VCF-style: chr9-21974781-A-G. GRCh37 (hg19) VCF-style: chr9-21974780-A-G.
Other names: c.47T>C, p.Leu16Pro (NM_000077.6, NM_001195132.2, NM_058197.5); c.-3-3573T>C (NM_001363763.2); c.194-3573T>C (NM_058195.4); short protein forms L16P.
Identifiers: ClinVar variation 649266 (VCV000649266.16), dbSNP rs864622263, ClinGen allele CA373086653.

ClinVar aggregate classification (germline): Pathogenic/Likely pathogenic. Review status: criteria provided, multiple submitters, no conflicts (2 of 4 stars). 4 submissions from 4 submitters: Pathogenic (2); Likely pathogenic (2). Last evaluated 2026-01-27.

Conditions:
Melanoma-pancreatic cancer syndrome. Identifiers: Orphanet 404560, MedGen C1838547, MONDO:0011713, OMIM 606719. Disease mechanism: loss of function.
Hereditary cancer-predisposing syndrome. Also called: Neoplastic Syndromes, Hereditary; Hereditary Cancer Syndrome; Tumor predisposition; Hereditary neoplastic syndrome. Identifiers: Orphanet 140162, MedGen C0027672, MeSH D009386, MONDO:0015356.
Familial melanoma. Also called: Hereditary melanoma; Hereditary cutaneous melanoma. Identifiers: Orphanet 618, MedGen C1512419, MONDO:0018961.

Submissions (4):

Ambry Genetics
Classification: Likely pathogenic for Hereditary cancer-predisposing syndrome. Last evaluated: 2026-01-27. Review status: criteria provided, single submitter. Criteria: Ambry Variant Classification Scheme 2023. Collection method: clinical testing. Allele origin: germline.
Comment: The p.L16P variant (also known as c.47T>C), located in coding exon 1 of the CDKN2A gene, results from a T to C substitution at nucleotide position 47. The leucine at codon 16 is replaced by proline, an amino acid with similar properties. This variant has been identified in multiple individuals with cutaneous melanoma (Soufir N et al. Hum Mol Genet, 1998 Feb;7:209-16; Monnerat C et al. Fam Cancer, 2007 Jul;6:453-61; Maubec E et al. J Am Acad Dermatol, 2012 Dec;67:1257-64; Aoude LG et al. Twin Res Hum Genet, 2015 Apr;18:126-33; Ambry internal data). This variant also demonstrated severely reduced CDK4 and CDK6 binding in functional assays (Ruas M et al. Oncogene, 1999 Sep;18:5423-34; McKenzie HA et al. Hum Mutat, 2010 Jun;31:692-701; Miller PJ et al. Hum Mutat, 2011 Aug;32:900-11). Based on internal structural analysis, L16P results in destabilization of CDKN2A (Russo AA et al. Nature, 1998 Sep;395:237-43). This amino acid position is highly conserved in available vertebrate species. In addition, this alteration is predicted to be deleterious by in silico analysis. This variant is considered to be rare based on population cohorts in the Genome Aggregation Database (gnomAD). Based on the majority of available evidence to date, this variant is likely to be pathogenic.

Myriad Genetics, Inc.
Classification: Likely pathogenic for Melanoma-pancreatic cancer syndrome. Last evaluated: 2025-09-29. Review status: criteria provided, single submitter. Criteria: Myriad Autosomal Dominant, Autosomal Recessive and X-Linked Classification Criteria (2023). Collection method: clinical testing. Allele origin: unknown.
Comment: This variant is considered likely pathogenic. Functional studies indicate this variant impacts protein function [PMID: 10498896, 20340136]. This variant has been reported in multiple individuals with clinical features of gene-specific disease [PMID: 9326917, 9425228, 11500805]. This variant has shown to segregate with cancer in one or more families [Myriad internal data].

Labcorp Genetics (formerly Invitae), Labcorp
Classification: Pathogenic for Familial melanoma. Last evaluated: 2023-08-18. Review status: criteria provided, single submitter. Criteria: Invitae Variant Classification Sherloc (09022015). Collection method: clinical testing. Allele origin: germline.
Comment: Experimental studies have shown that this missense change affects CDKN2A (p16INK4a) function (PMID: 8573142, 10498896, 20340136, 21462282). This variant disrupts the p.Leu16 amino acid residue in CDKN2A (p16INK4a). Other variant(s) that disrupt this residue have been determined to be pathogenic (PMID: 15173226, 16169933, 17218939, 21150883; Invitae). This suggests that this residue is clinically significant, and that variants that disrupt this residue are likely to be disease-causing. This sequence change replaces leucine, which is neutral and non-polar, with proline, which is neutral and non-polar, at codon 16 of the CDKN2A (p16INK4a) protein (p.Leu16Pro). This variant is not present in population databases (gnomAD no frequency). This missense change has been observed in individual(s) with melanoma (PMID: 9425228, 11500805, 16905682, 17624602, 19759551, 21462282). It has also been observed to segregate with disease in related individuals. ClinVar contains an entry for this variant (Variation ID: 649266). An algorithm developed to predict the effect of missense changes on protein structure and function (PolyPhen-2) suggests that this variant is likely to be disruptive. For these reasons, this variant has been classified as Pathogenic.

Women's Health and Genetics/Laboratory Corporation of America, LabCorp
Classification: Pathogenic for Hereditary cutaneous melanoma. Last evaluated: 2019-02-22. Review status: criteria provided, single submitter. Criteria: LabCorp Variant Classification Summary - May 2015. Collection method: clinical testing. Allele origin: germline.
Comment: Variant summary: CDKN2A c.47T>C (p.Leu16Pro) results in a non-conservative amino acid change located in the Ankyrin repeat-containing domain of the encoded protein sequence. Four of five in-silico tools predict a damaging effect of the variant on protein function. The variant was absent in 232396 control chromosomes (gnomAD). c.47T>C has been reported in the literature in individuals affected with cutaneous melanoma as well as other associated cancers (Jovanovic_2010, Monnerat_2007, Soufir_1998). These data indicate that the variant is likely to be associated with disease. One study involving segregation analysis in a family, identified the variant in 3 affected family members and 2 unaffected without however specifying the age of the unaffected individuals; these data suggest a reduced penetrance for the variant of interest, in accordance with an overall reduced penetrance expected for CDKN2A variants. Experimental evidence demonstrated the variant to result in loss of function to the CDKN2A protein as shown by impaired CDK4 and CDK6 binding activity, increased Ki67 index in cell culture and altered subcellular distribution (Miller_2011, McKenzie_2010). No clinical diagnostic laboratories have submitted clinical-significance assessments for this variant to ClinVar after 2014. Based on the evidence outlined above, the variant was classified as pathogenic.

Literature cited by the submitters: PubMed 10498896 (cited by 3 submitters); PubMed 17624602 (cited by 3 submitters); PubMed 20340136 (cited by 4 submitters); PubMed 21462282 (cited by 3 submitters); PubMed 22841127 (cited by Ambry Genetics); PubMed 25787093 (cited by Ambry Genetics); PubMed 9425228 (cited by 4 submitters); PubMed 9751050 (cited by Ambry Genetics); PubMed 9326917 (cited by Myriad Genetics, Inc.); PubMed 11500805 (cited by Myriad Genetics, Inc. and Labcorp Genetics (formerly Invitae), Labcorp); PubMed 8573142 (cited by Labcorp Genetics (formerly Invitae), Labcorp); PubMed 15173226 (cited by Labcorp Genetics (formerly Invitae), Labcorp); PubMed 16169933 (cited by Labcorp Genetics (formerly Invitae), Labcorp); PubMed 17218939 (cited by Labcorp Genetics (formerly Invitae), Labcorp); PubMed 21150883 (cited by Labcorp Genetics (formerly Invitae), Labcorp); PubMed 16905682 (cited by Labcorp Genetics (formerly Invitae), Labcorp); PubMed 19759551 (cited by Labcorp Genetics (formerly Invitae), Labcorp and Women's Health and Genetics/Laboratory Corporation of America, LabCorp).